The following is an entry in ClinVar:

NM_004933.3(CDH15):c.1711C>T (p.Arg571Cys)

Genes: CDH15 (cadherin 15; plus strand), LOC130059794 (ATAC-STARR-seq lymphoblastoid silent region 7894; plus strand). Cytogenetic location: 16q24.3.
Variant type: single nucleotide variant.
Coding change: c.1711C>T on transcript NM_004933.3 (MANE Select); coding-DNA position 1711, C replaced by T.
Protein change: p.Arg571Cys; replaces arginine 571 with cysteine.
Molecular consequence: missense variant.
Genome position (GRCh38, 1-based): chr16:89,192,300, C>T. VCF-style: chr16-89192300-C-T. GRCh37 (hg19) VCF-style: chr16-89258708-C-T.
Other names: short protein forms R571C.
Identifiers: ClinVar variation 452625 (VCV000452625.2), dbSNP rs1278544434, ClinGen allele CA397141237.
Genomic context (GRCh38, chr16:89,192,300, plus strand): 5'-CCCGAAGGCCTGCACCGCCTCAGCCTGCTGCTCCGGGACTCGGGGCAGCCGCCCCAGCAG[C>T]GCGAGCAGCCTCTGAACGTGACCGTGTGCCGCTGCGGCAAGGACGGCGTCTGCCTGCCGG-3'
Protein context (NP_004924.1, residues 561-581): LRDSGQPPQQ[Arg571Cys]EQPLNVTVCR

ClinVar aggregate classification (germline): Uncertain significance (1 of 4 stars; one submission).

Allele frequency attached by ClinVar (database versions not stated): gnomAD exomes 0.00001.

Submission:

GeneDx
Classification: Uncertain significance. Last evaluated: 2017-10-05. Review status: criteria provided, single submitter. Criteria: GeneDx Variant Classification (06012015). Collection method: clinical testing. Allele origin: germline. Affected: yes.
Comment: The R571C variant has not been published as a pathogenic variant, nor has it been reported as a benign variant to our knowledge. The R571C variant is not observed in large population cohorts (Lek et al., 2016). This variant is a non-conservative amino acid substitution, which is likely to impact secondary protein structure as these residues differ in polarity, charge, size and/or other properties. In silico analysis predicts this variant is probably damaging to the protein structure/function. However, this substitution occurs at a position that is not conserved.